The following is an entry in ClinVar:

NM_002332.3(LRP1):c.7165_7188del (p.Glu2389_Ala2396del)

Gene: LRP1 (LDL receptor related protein 1; plus strand). Cytogenetic location: 12q13.3.
Variant type: Deletion.
Coding change: c.7165_7188del on transcript NM_002332.3 (MANE Select); coding-DNA positions 7165 to 7188, 24 bases deleted (GAGAAGCTCTACTTCTCTGACGCC).
Protein change: p.Glu2389_Ala2396del.
Molecular consequence: inframe deletion.
Genome position (GRCh38, 1-based): chr12:57,190,938-57,190,961, GAGAAGCTCTACTTCTCTGACGCC deleted; deleting any 24 consecutive bases within chr12:57,190,935-57,190,961 gives the same sequence; the c. name uses the placement nearest the transcript's 3' end. VCF-style (leftmost placement, unchanged base first): chr12-57190934-TGCCGAGAAGCTCTACTTCTCTGAC-T. GRCh37 (hg19) VCF-style: chr12-57584717-TGCCGAGAAGCTCTACTTCTCTGAC-T.
Identifiers: ClinVar variation 4976626 (VCV004976626.2).

ClinVar aggregate classification (germline): Pathogenic (1 of 4 stars; one submission).

Submission:

GeneDx
Classification: Pathogenic. Last evaluated: 2026-10-23. Review status: criteria provided, single submitter. Criteria: GeneDx Variant Classification Process June 2021. Collection method: clinical testing. Allele origin: germline.
Comment: Not observed at significant frequency in large population cohorts (gnomAD); In silico analysis supports a deleterious effect on protein structure/function; In-frame deletion of 8 amino acid(s) in a non-repeat region; This variant is associated with the following publications: (PMID: 42649465)